The following is an entry in ClinVar:

NM_020937.4(FANCM):c.5674G>A (p.Glu1892Lys)

Gene: FANCM (FA complementation group M; plus strand). Cytogenetic location: 14q21.2.
Variant type: single nucleotide variant.
Coding change: c.5674G>A on transcript NM_020937.4 (MANE Select); coding-DNA position 5674, G replaced by A.
Protein change: p.Glu1892Lys; replaces glutamic acid 1892 with lysine.
Molecular consequence: missense variant.
Genome position (GRCh38, 1-based): chr14:45,196,505, G>A. VCF-style: chr14-45196505-G-A. GRCh37 (hg19) VCF-style: chr14-45665708-G-A.
Other names: c.5596G>A, p.Glu1866Lys (NM_001308133.2); short protein forms E1866K, E1892K.
Identifiers: ClinVar variation 4844544 (VCV004844544.1).

ClinVar aggregate classification (germline): Uncertain significance (1 of 4 stars; one submission).

Conditions:
Inborn genetic diseases. Identifiers: MedGen C0950123, MeSH D030342.

Submission:

Ambry Genetics
Classification: Uncertain significance for Inborn genetic diseases. Last evaluated: 2026-01-20. Review status: criteria provided, single submitter. Criteria: Ambry Variant Classification Scheme 2023. Collection method: clinical testing. Allele origin: germline.
Comment: The p.E1892K variant (also known as c.5674G>A), located in coding exon 21 of the FANCM gene, results from a G to A substitution at nucleotide position 5674. The glutamic acid at codon 1892 is replaced by lysine, an amino acid with similar properties. This amino acid position is conserved. In addition, this alteration is predicted to be tolerated by in silico analysis. Based on the available evidence, the clinical significance of this variant remains unclear.